The following is an entry in ClinVar:

NM_002354.3(EPCAM):c.426-1G>A

Gene: EPCAM (epithelial cell adhesion molecule; plus strand). Cytogenetic location: 2p21.
Variant type: single nucleotide variant.
Coding change: c.426-1G>A on transcript NM_002354.3 (MANE Select); the canonical splice acceptor site of the intron before coding-DNA position 426, G replaced by A.
Molecular consequence: splice acceptor variant.
Genome position (GRCh38, 1-based): chr2:47,375,233, G>A. VCF-style: chr2-47375233-G-A. GRCh37 (hg19) VCF-style: chr2-47602372-G-A.
Other names: IVS3AS, G-A, -1.
Identifiers: ClinVar variation 12772 (VCV000012772.4), dbSNP rs373597944, ClinGen allele CA211254.
Genomic context (GRCh38, chr2:47,375,233, plus strand): 5'-TTAGGAAAATAGTATGGAAGACTGAGTTATAGTCAACTGACATTGTCTTTTTACTTTATA[G>A]CTGGATCATCATTGAACTAAAACACAAAGCAAGAGAAAAACCTTATGATAGTAAAAGTTT-3'

ClinVar aggregate classification (germline): Uncertain significance. Review status: criteria provided, single submitter (1 of 4 stars). 3 submissions from 3 submitters: Uncertain significance (1). 2 of the submissions do not count toward it. Last evaluated 2017-06-16.

Conditions:
Congenital diarrhea 5 with tufting enteropathy. Also called: INTESTINAL EPITHELIAL CELL DYSPLASIA; Congenital tufting enteropathy. Identifiers: Orphanet 92050, MedGen C2750737, MONDO:0013184, OMIM 613217.

Allele frequency attached by ClinVar (database versions not stated): gnomAD exomes 0.00001; TOPMed 0.00001; gnomAD 0.00002; ESP Exome Variant Server 0.00015.
gnomAD v4.1: 17 of 1,603,194 alleles (0.0011%); highest among the groups gnomAD compares: East Asian, 0.0022%; no homozygotes.

Submissions (3):

Women's Health and Genetics/Laboratory Corporation of America, LabCorp
Classification: Uncertain significance. Last evaluated: 2017-06-16. Review status: criteria provided, single submitter. Criteria: LabCorp Variant Classification Summary - May 2015. Collection method: clinical testing. Allele origin: germline.
Comment: Variant summary: The EPCAM c.426-1G>A variant involves the alteration of a conserved intronic nucleotide. One in silico tool predicts a damaging outcome for this variant. 5/5 splice prediction tools predict a significant impact on normal splicing, which has been shown to occur via Western blot (see Schnell_HMG_2013 below), although this has not been corroborated by RNA studies. This variant was found in the large control database ExAC at a frequency of 0.0000167 (2/119674 control chromosomes), which does not exceed the estimated maximal expected allele frequency of a pathogenic EPCAM variant (0.0000284). The variant has been identified in at least 1 homozygous patient diagnosed with congenital tufting enteropathy (CTE)(SIVAGNANAM_Gastro_2008), but has not been associated with Lynch syndrome phenotypes in the literature. A functional analysis showed that the variant, which was predicted to cause a deletion of ~20 amino acids that verified by Western blot, impairs proper localization of EPCAM to the plasma membrane (Schnell_HMG_2013). However, the role of this dysfunction in Lynch syndrome development was not established. In addition, two submissions to ClinVar have classified this variant with conflicting interpretations including uncertain significance and pathogenic, though both were submitted under the condition of CTE. Although there is evidence that the variant is deleterious in the context of CTE, there is no data regarding whether the variant is involved in Lynch syndrome phenotype manifestations or not. As such, this variant is classified as VUS specifically in the context of an inherited predisposition to cancers including Lynch syndrome.

CSER _CC_NCGL, University of Washington
Classification: Uncertain significance for Congenital tufting enteropathy. Last evaluated: 2014-06-01. Review status: no assertion criteria provided. Collection method: research. Allele origin: germline. Inheritance: Autosomal dominant inheritance. Study: ESP 6500 variant annotation. Not counted in ClinVar's aggregate classification.
Comment: Variants classified for the Actionable exomic incidental findings in 6503 participants: challenges of variant classification manuscript

OMIM
Classification: Pathogenic for DIARRHEA 5, WITH TUFTING ENTEROPATHY, CONGENITAL. Last evaluated: 2013-07-01. Review status: no assertion criteria provided. Collection method: literature only. Allele origin: germline. Not counted in ClinVar's aggregate classification.

Literature cited by the submitters: PubMed 25637381 (cited by Women's Health and Genetics/Laboratory Corporation of America, LabCorp); PubMed 23462293 (cited by Women's Health and Genetics/Laboratory Corporation of America, LabCorp and OMIM); PubMed 18572020 (cited by Women's Health and Genetics/Laboratory Corporation of America, LabCorp and OMIM).